The following is an entry in ClinVar:

ClinVar aggregate classification (germline): Uncertain significance. Review status: criteria provided, multiple submitters, no conflicts (2 of 4 stars). 2 submissions from 2 submitters: Uncertain significance (2). Last evaluated 2025-10-27.

Conditions:
Inborn genetic diseases. Identifiers: MedGen C0950123, MeSH D030342.

Allele frequency attached by ClinVar (database versions not stated): gnomAD 0.00006 and 0.00007; TOPMed 0.00006; ExAC 0.00007; ESP Exome Variant Server 0.00008.

Submissions (2):

Labcorp Genetics (formerly Invitae), Labcorp
Classification: Uncertain significance. Last evaluated: 2025-10-27. Review status: criteria provided, single submitter. Criteria: Invitae Variant Classification Sherloc (09022015). Collection method: clinical testing. Allele origin: germline.
Comment: This sequence change replaces aspartic acid, which is acidic and polar, with histidine, which is basic and polar, at codon 148 of the NDUFB8 protein (p.Asp148His). This variant is present in population databases (rs371563487, gnomAD 0.02%). This variant has not been reported in the literature in individuals affected with NDUFB8-related conditions. ClinVar contains an entry for this variant (Variation ID: 1518957). An algorithm developed to predict the effect of missense changes on protein structure and function outputs the following: PolyPhen-2: "Benign". The histidine amino acid residue is found in multiple mammalian species, which suggests that this missense change does not adversely affect protein function. In summary, the available evidence is currently insufficient to determine the role of this variant in disease. Therefore, it has been classified as a Variant of Uncertain Significance.

Ambry Genetics
Classification: Uncertain significance for Inborn genetic diseases. Last evaluated: 2025-09-04. Review status: criteria provided, single submitter. Criteria: Ambry Variant Classification Scheme 2023. Collection method: clinical testing. Allele origin: germline.

NM_005004.4(NDUFB8):c.442G>C (p.Asp148His)

Gene: NDUFB8 (NADH:ubiquinone oxidoreductase subunit B8; minus strand). Cytogenetic location: 10q24.31.
Variant type: single nucleotide variant.
Coding change: c.442G>C on transcript NM_005004.4 (MANE Select); coding-DNA position 442, G replaced by C.
Protein change: p.Asp148His; replaces aspartic acid 148 with histidine.
Molecular consequence: missense variant.
Genome position (GRCh38, 1-based): chr10:100,526,425, C>G on the plus strand (G>C on the coding strand, the complement: NDUFB8 is on the minus strand). VCF-style: chr10-100526425-C-G. GRCh37 (hg19) VCF-style: chr10-102286182-C-G.
Other names: c.442G>C, p.Asp148His (NM_001284367.2); c.349G>C, p.Asp117His (NM_001284368.1); c.442G>C (NM_005004.2); short protein forms D117H, D148H.
Identifiers: ClinVar variation 1518957 (VCV001518957.8), dbSNP rs371563487, ClinGen allele CA5650147.